The following is an entry in ClinVar:

ClinVar aggregate classification (germline): Pathogenic (1 of 4 stars; one submission).

Conditions:
Hereditary angioedema type 1 (HAE1). Identifiers: Orphanet 100050, Orphanet 100051, Orphanet 91378, MedGen C2717906, MONDO:0015053, OMIM 106100.

Submission:

Department of Immunology and Histocompatibility, University of Thessaly
Classification: Pathogenic for Hereditary angioedema type 1. Review status: criteria provided, single submitter. Criteria: ACMG Guidelines, 2015. Collection method: clinical testing. Allele origin: germline. Affected: yes. Observed: 9 variant alleles.
Comment: The c.674_675delTCinsAA (p.Phe225Ter) variant has been previously reported in association with hereditary angioedema in the literature (Speletas et al., 2015; Loules et al., 2018). It causes an interruption of the reading frame by formation of a premature stop codon which results in a truncated protein missing 276aa. It was detected by our laboratory in 9 patients with C1-INH HAE Type I, members of a Greek family (5 male and 4 female). The mutation was not detected in other asymptomatic members of the family. The variant has never been detected in approximately 120000 individuals of the Exome Aggregation Consortium (ExAC), indicating that it is not a common variant. In the same position, a missense mutation c.674T>C (p.Phe225Ser) has been described by Gosswein et al. (2008) and assosiated with C1-INH HAE Type I. Taking all the above into account and according to ACMG Guidelines (Criteria: PVS1, PS1, PS4, PM2, PM4, PP1,PP4) the variant is considered pathogenic.

Literature cited by the submitters: PubMed 29753808.

NM_000062.3(SERPING1):c.674_675delinsAA (p.Phe225Ter)

Gene: SERPING1 (serpin family G member 1; plus strand). Cytogenetic location: 11q12.1.
Variant type: Indel.
Coding change: c.674_675delinsAA on transcript NM_000062.3 (MANE Select); coding-DNA positions 674 to 675, TC replaced by AA.
Protein change: p.Phe225Ter; replaces phenylalanine 225 with a stop codon.
Molecular consequence: nonsense.
Genome position (GRCh38, 1-based): chr11:57,602,158-57,602,159, TC replaced by AA. VCF-style: chr11-57602158-TC-AA. GRCh37 (hg19) VCF-style: chr11-57369631-TC-AA.
Other names: c.674_675delinsAA, p.Phe225Ter (NM_001032295.2); c.674_675delTCinsAA (NM_000062.2); short protein forms F225*.
Identifiers: ClinVar variation 626350 (VCV000626350.2), dbSNP rs1565170364, ClinGen allele CA913190273.
Genomic context (GRCh38, chr11:57,602,158, plus strand): 5'-GTGTCCACCAGGCCCTGAAGGGCTTCACGACCAAAGGTGTCACCTCAGTCTCTCAGATCT[TC>AA]CACAGCCCAGGTGAGTGCCCAGGAATGGGCAGTGTCTGCAGAGGAGGGTCCTGAGAGGAC-3'